The following is an entry in ClinVar:

NM_000426.4(LAMA2):c.572A>G (p.Tyr191Cys)

Gene: LAMA2 (laminin subunit alpha 2; plus strand). Cytogenetic location: 6q22.33.
Variant type: single nucleotide variant.
Coding change: c.572A>G on transcript NM_000426.4 (MANE Select); coding-DNA position 572, A replaced by G.
Protein change: p.Tyr191Cys; replaces tyrosine 191 with cysteine.
Molecular consequence: missense variant.
Genome position (GRCh38, 1-based): chr6:129,098,348, A>G. VCF-style: chr6-129098348-A-G. GRCh37 (hg19) VCF-style: chr6-129419493-A-G.
Other names: c.572A>G, p.Tyr191Cys (NM_001079823.2); short protein forms Y191C.
Identifiers: ClinVar variation 2143212 (VCV002143212.1), dbSNP rs778267504, ClinGen allele CA3992368.
Genomic context (GRCh38, chr6:129,098,348, plus strand): 5'-TGACAGACACGGAGTGCCTAACGCTTTACAATATTTATCCCCGCACTGGGCCACCGTCAT[A>G]TGCCAAAGATGATGAGGTCATCTGCACTTCATTTTACTCCAAGATACACCCCTTAGAAAA-3'
Protein context (NP_000417.3, residues 181-201): NIYPRTGPPS[Tyr191Cys]AKDDEVICTS

ClinVar aggregate classification (germline): Uncertain significance (1 of 4 stars; one submission).

Conditions:
LAMA2-related muscular dystrophy (LAMA2-RD). Also called: Laminin alpha 2-related dystrophy. Identifiers: MedGen C5679788, MONDO:0100228.

Allele frequency attached by ClinVar (database versions not stated): gnomAD exomes below 0.00001; TOPMed below 0.00001; ExAC 0.00001.
gnomAD v4.1: 4 of 1,614,056 alleles (0.00025%); no homozygotes.

Submission:

Labcorp Genetics (formerly Invitae), Labcorp
Classification: Uncertain significance for LAMA2-related muscular dystrophy. Last evaluated: 2021-09-17. Review status: criteria provided, single submitter. Criteria: Invitae Variant Classification Sherloc (09022015). Collection method: clinical testing. Allele origin: germline.
Comment: This sequence change replaces tyrosine with cysteine at codon 191 of the LAMA2 protein (p.Tyr191Cys). The tyrosine residue is weakly conserved and there is a large physicochemical difference between tyrosine and cysteine. This variant is present in population databases (rs778267504, ExAC 0.001%). This variant has not been reported in the literature in individuals with LAMA2-related conditions. Algorithms developed to predict the effect of missense changes on protein structure and function are either unavailable or do not agree on the potential impact of this missense change (SIFT: "Tolerated"; PolyPhen-2: "Probably Damaging"; Align-GVGD: "Class C0"). In summary, the available evidence is currently insufficient to determine the role of this variant in disease. Therefore, it has been classified as a Variant of Uncertain Significance.